The following is an entry in ClinVar:

ClinVar aggregate classification (germline): Likely benign (0 of 4 stars; one submission).

Conditions:
ATP13A2-related disorder. Also called: ATP13A2-related condition; ATP13A2-related disorders.

Allele frequency attached by ClinVar (database versions not stated): gnomAD 0.00001; gnomAD exomes 0.00002; ExAC 0.00004.
gnomAD v4.1: 24 of 1,613,968 alleles (0.0015%); highest among the groups gnomAD compares: South Asian, 0.024%; 1 homozygote.

Submission:

PreventionGenetics, part of Exact Sciences
Classification: Likely benign for ATP13A2-related condition. Last evaluated: 2021-08-12. Review status: no assertion criteria provided. Collection method: clinical testing. Allele origin: germline.
Comment: This variant is classified as likely benign based on ACMG/AMP sequence variant interpretation guidelines (Richards et al. 2015 PMID: 25741868, with internal and published modifications).

NM_022089.4(ATP13A2):c.1750-4C>T

Gene: ATP13A2 (ATPase cation transporting 13A2; minus strand). Cytogenetic location: 1p36.13.
Variant type: single nucleotide variant.
Coding change: c.1750-4C>T on transcript NM_022089.4 (MANE Select); 4 bases into the intron before coding-DNA position 1750, C replaced by T.
Molecular consequence: intron variant.
Genome position (GRCh38, 1-based): chr1:16,992,585, G>A on the plus strand (C>T on the coding strand, the complement: ATP13A2 is on the minus strand). VCF-style: chr1-16992585-G-A. GRCh37 (hg19) VCF-style: chr1-17319080-G-A.
Other names: c.1735-4C>T (NM_001141974.3, NM_001141973.3).
Identifiers: ClinVar variation 3030568 (VCV003030568.2), dbSNP rs747110657, ClinGen allele CA637099.
Genomic context (GRCh38, chr1:16,992,585, plus strand): 5'-CACTGCCAAGACCTGGGTCCCAAATGCTGAGTCTGCAGCCGGCTCTTCCTCCAGGACCTG[G>A]CAGGCAGGCAGGGAAGTTTGGTGTCTGGGGGCTTTGGCTCACAGAGAGATTTGAGCTAGA-3'